The following is an entry in ClinVar:

ClinVar aggregate classification (germline): Likely benign. Review status: criteria provided, multiple submitters, no conflicts (2 of 4 stars). 2 submissions from 2 submitters: Likely benign (2). Last evaluated 2025-07-01.

Conditions:
Adams-Oliver syndrome 5 (AOS5). Identifiers: Orphanet 974, MedGen C4014970, MONDO:0014459, OMIM 616028.

Allele frequency attached by ClinVar (database versions not stated): gnomAD exomes 0.00001; ExAC 0.00014.
gnomAD v4.1: 12 of 1,560,572 alleles (0.00077%); highest among the groups gnomAD compares: East Asian, 0.0048%; no homozygotes.

Submissions (2):

CeGaT Center for Human Genetics Tuebingen
Classification: Likely benign. Last evaluated: 2025-07-01. Review status: criteria provided, single submitter. Criteria: CeGaT Center For Human Genetics Tuebingen Variant Classification Criteria Version 2. Collection method: clinical testing. Allele origin: germline. Affected: yes. Observed: 1 variant allele.
Comment: NOTCH1: BP4, BP7

Labcorp Genetics (formerly Invitae), Labcorp
Classification: Likely benign for Adams-Oliver syndrome 5. Last evaluated: 2023-04-22. Review status: criteria provided, single submitter. Criteria: Invitae Variant Classification Sherloc (09022015). Collection method: clinical testing. Allele origin: germline.

NM_017617.5(NOTCH1):c.3000C>T (p.Asp1000=)

Gene: NOTCH1 (notch receptor 1; minus strand). Cytogenetic location: 9q34.3.
Variant type: single nucleotide variant.
Coding change: c.3000C>T on transcript NM_017617.5 (MANE Select); coding-DNA position 3000, C replaced by T.
Protein change: p.Asp1000=; no amino-acid change (aspartic acid 1000 retained).
Molecular consequence: synonymous variant.
Genome position (GRCh38, 1-based): chr9:136,509,041, G>A on the plus strand (C>T on the coding strand, the complement: NOTCH1 is on the minus strand). VCF-style: chr9-136509041-G-A. GRCh37 (hg19) VCF-style: chr9-139403493-G-A.
Identifiers: ClinVar variation 2909029 (VCV002909029.11), dbSNP rs751055570, ClinGen allele CA5341072.